The following is an entry in ClinVar:

ClinVar aggregate classification (germline): Conflicting classifications of pathogenicity. Review status: criteria provided, conflicting classifications (1 of 4 stars). 5 submissions from 5 submitters: Uncertain significance (4); Likely benign (1). Last evaluated 2024-12-29.

Conditions:
Hereditary cancer-predisposing syndrome. Also called: Neoplastic Syndromes, Hereditary; Hereditary Cancer Syndrome; Tumor predisposition; Hereditary neoplastic syndrome. Identifiers: Orphanet 140162, MedGen C0027672, MeSH D009386, MONDO:0015356.
Breast-ovarian cancer, familial, susceptibility to, 4. Identifiers: Orphanet 145, MedGen C3280345, MONDO:0013669, OMIM 614291.

gnomAD v4.1: 2 of 1,613,908 alleles (0.00012%); highest among the groups gnomAD compares: Non-Finnish European, 0.00017%; no homozygotes.

Submissions (5):

Labcorp Genetics (formerly Invitae), Labcorp
Classification: Uncertain significance for Breast-ovarian cancer, familial, susceptibility to, 4. Last evaluated: 2024-12-29. Review status: criteria provided, single submitter. Criteria: Invitae Variant Classification Sherloc (09022015). Collection method: clinical testing. Allele origin: germline.
Comment: This sequence change replaces isoleucine, which is neutral and non-polar, with valine, which is neutral and non-polar, at codon 311 of the RAD51D protein (p.Ile311Val). This variant is present in population databases (no rsID available, gnomAD 0.002%). This variant has not been reported in the literature in individuals affected with RAD51D-related conditions. ClinVar contains an entry for this variant (Variation ID: 584560). Invitae Evidence Modeling of protein sequence and biophysical properties (such as structural, functional, and spatial information, amino acid conservation, physicochemical variation, residue mobility, and thermodynamic stability) indicates that this missense variant is not expected to disrupt RAD51D protein function with a negative predictive value of 80%. In summary, the available evidence is currently insufficient to determine the role of this variant in disease. Therefore, it has been classified as a Variant of Uncertain Significance.

Ambry Genetics
Classification: Likely benign for Hereditary cancer-predisposing syndrome. Last evaluated: 2023-12-04. Review status: criteria provided, single submitter. Criteria: Ambry Variant Classification Scheme 2023. Collection method: clinical testing. Allele origin: germline.

Color Diagnostics, LLC DBA Color Health
Classification: Uncertain significance for Hereditary cancer-predisposing syndrome. Last evaluated: 2022-09-12. Review status: criteria provided, single submitter. Criteria: ACMG Guidelines, 2015. Collection method: clinical testing. Allele origin: germline.
Comment: This missense variant replaces isoleucine with valine at codon 311 of the RAD51D protein. Computational prediction suggests that this variant may not impact protein structure and function (internally defined REVEL score threshold <= 0.5, PMID: 27666373). To our knowledge, functional studies have not been reported for this variant. This variant has not been reported in individuals affected with hereditary cancer in the literature. This variant has been identified in 2/251488 chromosomes in the general population by the Genome Aggregation Database (gnomAD). The available evidence is insufficient to determine the role of this variant in disease conclusively. Therefore, this variant is classified as a Variant of Uncertain Significance.

GeneDx
Classification: Uncertain significance. Last evaluated: 2022-05-23. Review status: criteria provided, single submitter. Criteria: GeneDx Variant Classification Process June 2021. Collection method: clinical testing. Allele origin: germline. Affected: yes.
Comment: Not observed at significant frequency in large population cohorts (gnomAD); In silico analysis supports that this missense variant does not alter protein structure/function; Observed in an individual with unspecified history who underwent hereditary cancer panel testing (Tsaousis et al., 2019); This variant is associated with the following publications: (PMID: 31159747, 21111057, 14704354, 19327148)

GeneKor MSA
Classification: Uncertain significance for Hereditary cancer-predisposing syndrome. Last evaluated: 2018-08-01. Review status: criteria provided, single submitter. Criteria: ACMG Guidelines, 2015. Collection method: clinical testing. Allele origin: germline.

Literature cited by the submitters: PubMed 31159747 (cited by Ambry Genetics).

NM_002878.4(RAD51D):c.931A>G (p.Ile311Val)

Genes: RAD51D (RAD51 paralog D; minus strand), RAD51L3-RFFL (RAD51L3-RFFL readthrough; minus strand). Cytogenetic location: 17q12.
Variant type: single nucleotide variant.
Coding change: c.931A>G on transcript NM_002878.4 (MANE Select); coding-DNA position 931, A replaced by G.
Protein change: p.Ile311Val; replaces isoleucine 311 with valine.
Molecular consequence: missense variant. On other transcripts: non-coding transcript variant (2).
Genome position (GRCh38, 1-based): chr17:35,101,009, T>C on the plus strand (A>G on the coding strand, the complement: RAD51D is on the minus strand). VCF-style: chr17-35101009-T-C. GRCh37 (hg19) VCF-style: chr17-33428028-T-C.
Other names: c.991A>G, p.Ile331Val (NM_001142571.2); c.595A>G, p.Ile199Val (NM_133629.3); short protein forms I311V, I199V, I331V.
Identifiers: ClinVar variation 584560 (VCV000584560.12), dbSNP rs755265519, ClinGen allele CA399086133.